The following is an entry in ClinVar:

ClinVar aggregate classification (germline): Uncertain significance (1 of 4 stars; one submission).

Conditions:
Glycogen storage disease type III (GSD3). Also called: Cori disease; FORBES DISEASE. Identifiers: Orphanet 366, MedGen C0017922, MONDO:0009291, OMIM 232400.

Allele frequency attached by ClinVar (database versions not stated): TOPMed below 0.00001; ExAC 0.00001; gnomAD 0.00001.
gnomAD v4.1: 7 of 1,613,838 alleles (0.00043%); highest among the groups gnomAD compares: Non-Finnish European, 0.00051%; no homozygotes.

Submission:

Labcorp Genetics (formerly Invitae), Labcorp
Classification: Uncertain significance for Glycogen storage disease type III. Last evaluated: 2022-03-03. Review status: criteria provided, single submitter. Criteria: Invitae Variant Classification Sherloc (09022015). Collection method: clinical testing. Allele origin: germline.
Comment: This sequence change replaces leucine, which is neutral and non-polar, with isoleucine, which is neutral and non-polar, at codon 484 of the AGL protein (p.Leu484Ile). This variant is present in population databases (rs755622228, gnomAD 0.002%). This variant has not been reported in the literature in individuals affected with AGL-related conditions. Algorithms developed to predict the effect of missense changes on protein structure and function are either unavailable or do not agree on the potential impact of this missense change (SIFT: "Tolerated"; PolyPhen-2: "Probably Damaging"; Align-GVGD: "Class C0"). In summary, the available evidence is currently insufficient to determine the role of this variant in disease. Therefore, it has been classified as a Variant of Uncertain Significance.

NM_000642.3(AGL):c.1450C>A (p.Leu484Ile)

Gene: AGL (amylo-alpha-1,6-glucosidase and 4-alpha-glucanotransferase; plus strand). Cytogenetic location: 1p21.2.
Variant type: single nucleotide variant.
Coding change: c.1450C>A on transcript NM_000642.3 (MANE Select); coding-DNA position 1450, C replaced by A.
Protein change: p.Leu484Ile; replaces leucine 484 with isoleucine.
Molecular consequence: missense variant.
Genome position (GRCh38, 1-based): chr1:99,877,667, C>A. VCF-style: chr1-99877667-C-A. GRCh37 (hg19) VCF-style: chr1-100343223-C-A.
Other names: c.1450C>A, p.Leu484Ile (NM_000028.3, NM_000643.3, NM_000644.3 and 2 more transcripts); c.1402C>A, p.Leu468Ile (NM_000646.3); c.1249C>A, p.Leu417Ile (NM_001425327.1); c.1246C>A, p.Leu416Ile (NM_001425328.1, NM_001425329.1); c.1072C>A, p.Leu358Ile (NM_001425332.1); short protein forms L468I, L484I, L358I, L416I, L417I.
Identifiers: ClinVar variation 1897703 (VCV001897703.2), dbSNP rs755622228, ClinGen allele CA966504.